The following is an entry in ClinVar:

NM_001457.4(FLNB):c.524T>C (p.Val175Ala)

Gene: FLNB (filamin B; plus strand). Cytogenetic location: 3p14.3.
Variant type: single nucleotide variant.
Coding change: c.524T>C on transcript NM_001457.4 (MANE Select); coding-DNA position 524, T replaced by C.
Protein change: p.Val175Ala; replaces valine 175 with alanine.
Molecular consequence: missense variant.
Genome position (GRCh38, 1-based): chr3:58,077,277, T>C. VCF-style: chr3-58077277-T-C. GRCh37 (hg19) VCF-style: chr3-58063004-T-C.
Other names: c.524T>C, p.Val175Ala (NM_001164317.2, NM_001164318.2, NM_001164319.2); short protein forms V175A.
Identifiers: ClinVar variation 3345956 (VCV003345956.1).
Genomic context (GRCh38, chr3:58,077,277, plus strand): 5'-ACTTGCCCATCACCAACTTTAACCAGAACTGGCAAGACGGCAAAGCCCTGGGAGCCCTGG[T>C]AGACAGCTGTGCTCCAGGTAAGTGGCCAGGGCTGCCTAAACCATCTGTCCAGGATGGGGG-3'
Protein context (NP_001448.2, residues 165-185): WQDGKALGAL[Val175Ala]DSCAPGLCPD

ClinVar aggregate classification (germline): Likely pathogenic (0 of 4 stars; one submission).

Conditions:
FLNB-related disorder. Also called: FLNB-related condition; FLNB-related disorders. Identifiers: MedGen CN381095.

Submission:

PreventionGenetics, part of Exact Sciences
Classification: Likely pathogenic for FLNB-related condition. Last evaluated: 2024-08-01. Review status: no assertion criteria provided. Collection method: clinical testing. Allele origin: germline.
Comment: The FLNB c.524T>C variant is predicted to result in the amino acid substitution p.Val175Ala. To our knowledge, this variant has not been reported in the literature or in a large population database, indicating this variant is rare. This variant is interpreted as likely pathogenic.